The following is an entry in ClinVar:

ClinVar aggregate classification (germline): Uncertain significance (1 of 4 stars; one submission).

Submission:

GeneDx
Classification: Uncertain significance. Last evaluated: 2026-03-31. Review status: criteria provided, single submitter. Criteria: GeneDx Variant Classification Process June 2021. Collection method: clinical testing. Allele origin: germline.
Comment: Not observed at significant frequency in large population cohorts (gnomAD); Missense variants in this gene are a common cause of disease and they are underrepresented in the general population; In silico analysis suggests that this missense variant does not alter protein structure/function; Has not been previously published as pathogenic or benign to our knowledge; This variant is associated with the following publications: (PMID: 20829227)

NM_006086.4(TUBB3):c.1000C>G (p.Gln334Glu)

Gene: TUBB3 (tubulin beta 3 class III; plus strand). Cytogenetic location: 16q24.3.
Variant type: single nucleotide variant.
Coding change: c.1000C>G on transcript NM_006086.4 (MANE Select); coding-DNA position 1000, C replaced by G.
Protein change: p.Gln334Glu; replaces glutamine 334 with glutamic acid.
Molecular consequence: missense variant.
Genome position (GRCh38, 1-based): chr16:89,935,451, C>G. VCF-style: chr16-89935451-C-G. GRCh37 (hg19) VCF-style: chr16-90001859-C-G.
Other names: c.784C>G, p.Gln262Glu (NM_001197181.2); short protein forms Q262E, Q334E.
Identifiers: ClinVar variation 5018009 (VCV005018009.1).